The following is an entry in ClinVar:

NM_000238.4(KCNH2):c.2670C>G (p.Ser890=)

Gene: KCNH2 (potassium voltage-gated channel subfamily H member 2; minus strand). Cytogenetic location: 7q36.1.
Variant type: single nucleotide variant.
Coding change: c.2670C>G on transcript NM_000238.4 (MANE Select); coding-DNA position 2670, C replaced by G.
Protein change: p.Ser890=; no amino-acid change (serine 890 retained).
Molecular consequence: synonymous variant. On other transcripts: non-coding transcript variant (2).
Genome position (GRCh38, 1-based): chr7:150,948,466, G>C on the plus strand (C>G on the coding strand, the complement: KCNH2 is on the minus strand). VCF-style: chr7-150948466-G-C. GRCh37 (hg19) VCF-style: chr7-150645554-G-C.
Other names: c.2382C>G, p.Ser794= (NM_001406753.1); c.1650C>G, p.Ser550= (NM_172057.3).
Identifiers: ClinVar variation 2143822 (VCV002143822.7), dbSNP rs759861732, ClinGen allele CA169073197.

ClinVar aggregate classification (germline): Likely benign. Review status: criteria provided, multiple submitters, no conflicts (2 of 4 stars). 4 submissions from 4 submitters: Likely benign (4). Last evaluated 2025-06-03.

Conditions:
Cardiovascular phenotype. Identifiers: MedGen CN230736.
Long QT syndrome (LQTS). Identifiers: MedGen C0023976, MeSH D008133, MONDO:0002442. Disease mechanism: loss of function. Inheritance: Various modes of inheritance.

Allele frequency attached by ClinVar (database versions not stated): TOPMed below 0.00001; gnomAD 0.00001.
gnomAD v4.1: 3 of 1,547,714 alleles (0.00019%); highest among the groups gnomAD compares: African/African-American, 0.0042%; no homozygotes.

Submissions (4):

Labcorp Genetics (formerly Invitae), Labcorp
Classification: Likely benign for Long QT syndrome. Last evaluated: 2025-06-03. Review status: criteria provided, single submitter. Criteria: Invitae Variant Classification Sherloc (09022015). Collection method: clinical testing. Allele origin: germline.

Blueprint Genetics
Classification: Likely benign. Last evaluated: 2024-10-04. Review status: criteria provided, single submitter. Criteria: ACMG Guidelines, 2015. Collection method: clinical testing. Allele origin: germline.

All of Us Research Program, National Institutes of Health
Classification: Likely benign for Long QT syndrome. Last evaluated: 2024-05-14. Review status: criteria provided, single submitter. Criteria: ACMG Guidelines, 2015. Collection method: clinical testing. Allele origin: germline. Inheritance: Autosomal dominant inheritance. Observed: 1 variant allele, 1 heterozygote.
Comment: This study involves interpretation of variants in research participants for the purpose of population health screening. Participant phenotype was not available at the time of variant classification. Additional details can be found in publication PMID: 35346344, PMCID: PMC8962531

Ambry Genetics
Classification: Likely benign for Cardiovascular phenotype. Last evaluated: 2023-10-26. Review status: criteria provided, single submitter. Criteria: Ambry Variant Classification Scheme 2023. Collection method: clinical testing. Allele origin: germline.